The following is an entry in ClinVar:

ClinVar aggregate classification (germline): Conflicting classifications of pathogenicity. Review status: criteria provided, conflicting classifications (1 of 4 stars). 3 submissions from 3 submitters: Pathogenic (1); Likely pathogenic (1); Uncertain significance (1). Last evaluated 2025-09-05.

Conditions:
Congenital heart defects, dysmorphic facial features, and intellectual developmental disorder (CHDFIDD). Identifiers: Orphanet 646278, MedGen C4479246, MONDO:0044302, OMIM 617360.

Allele frequency attached by ClinVar (database versions not stated): gnomAD 0.00001; TOPMed 0.00001.

Submissions (3):

GeneDx
Classification: Pathogenic. Last evaluated: 2025-09-05. Review status: criteria provided, single submitter. Criteria: GeneDx Variant Classification Process June 2021. Collection method: clinical testing. Allele origin: germline. Affected: yes.
Comment: Nonsense variant predicted to result in protein truncation or nonsense mediated decay in a gene or region of a gene for which loss of function is not a well-established mechanism of disease; Not observed at significant frequency in large population cohorts (gnomAD); This variant is associated with the following publications: (PMID: 33057194, 38958063, 35982159, 35982160, 29393965)

Greenwood Genetic Center Diagnostic Laboratories, Greenwood Genetic Center
Classification: Likely pathogenic for Congenital heart defects, dysmorphic facial features, and intellectual developmental disorder. Last evaluated: 2025-06-12. Review status: criteria provided, single submitter. Criteria: ACMG Guidelines, 2015. Collection method: clinical testing. Allele origin: germline. Affected: yes.
Comment: PVS1, PM6

Clinical Genetics Laboratory, Skane University Hospital Lund
Classification: Uncertain significance. Last evaluated: 2022-05-27. Review status: criteria provided, single submitter. Criteria: ACMG Guidelines, 2015. Collection method: clinical testing. Allele origin: germline. Affected: yes.

NM_003718.5(CDK13):c.2995C>T (p.Arg999Ter)

Gene: CDK13 (cyclin dependent kinase 13; plus strand). Cytogenetic location: 7p14.1.
Variant type: single nucleotide variant.
Coding change: c.2995C>T on transcript NM_003718.5 (MANE Select); coding-DNA position 2995, C replaced by T.
Protein change: p.Arg999Ter; replaces arginine 999 with a stop codon.
Molecular consequence: nonsense.
Genome position (GRCh38, 1-based): chr7:40,078,817, C>T. VCF-style: chr7-40078817-C-T. GRCh37 (hg19) VCF-style: chr7-40118416-C-T.
Other names: c.2995C>T, p.Arg999Ter (NM_031267.4); short protein forms R999*.
Identifiers: ClinVar variation 488913 (VCV000488913.7), dbSNP rs1175530571, ClinGen allele CA367291730.